The following is an entry in ClinVar:

ClinVar aggregate classification (germline): Benign. Review status: criteria provided, multiple submitters, no conflicts (2 of 4 stars). 6 submissions from 6 submitters: Benign (5). 1 of the submissions does not count toward it. Last evaluated 2026-02-04.

Conditions:
Dubin-Johnson syndrome (DJS). Also called: HYPERBILIRUBINEMIA, DUBIN-JOHNSON TYPE; Jaundice, Chronic Idiopathic; Hyperbilirubinemia type 2. Identifiers: Orphanet 234, MedGen C0022350, MONDO:0009380, OMIM 237500.
ABCC2-related disorder. Also called: ABCC2-related condition.

Allele frequency attached by ClinVar (database versions not stated): 1000 Genomes Project 30x 0.03045; 1000 Genomes Project 0.03095; ExAC 0.04094; gnomAD exomes 0.04345 and 0.05208; gnomAD 0.04687 and 0.04774; TOPMed 0.05059; ESP Exome Variant Server 0.05321.
gnomAD v4.1: 83,665 of 1,614,080 alleles (5.2%); highest among the groups gnomAD compares: Middle Eastern, 13%; 2,515 homozygotes.

Submissions (6):

Labcorp Genetics (formerly Invitae), Labcorp
Classification: Benign. Last evaluated: 2026-02-04. Review status: criteria provided, single submitter. Criteria: Invitae Variant Classification Sherloc (09022015). Collection method: clinical testing. Allele origin: germline.

Mayo Clinic Laboratories, Mayo Clinic
Classification: Benign. Last evaluated: 2022-04-29. Review status: criteria provided, single submitter. Criteria: ACMG Guidelines, 2015. Collection method: clinical testing. Allele origin: germline. Observed: 41 variant alleles.

GeneDx
Classification: Benign. Last evaluated: 2018-11-10. Review status: criteria provided, single submitter. Criteria: GeneDx Variant Classification Process June 2021. Collection method: clinical testing. Allele origin: germline. Affected: yes.

Illumina Laboratory Services, Illumina
Classification: Benign for Dubin-Johnson syndrome. Last evaluated: 2018-01-12. Review status: criteria provided, single submitter. Criteria: ICSL Variant Classification Criteria 13 December 2019. Collection method: clinical testing. Allele origin: germline.
Comment: This variant was observed in the ICSL laboratory as part of a predisposition screen in an ostensibly healthy population. It had not been previously curated by ICSL or reported in the Human Gene Mutation Database (HGMD: prior to June 1st, 2018), and was therefore a candidate for classification through an automated scoring system. Utilizing variant allele frequency, disease prevalence and penetrance estimates, and inheritance mode, an automated score was calculated to assess if this variant is too frequent to cause the disease. Based on the score and internal cut-off values, a variant classified as benign is not then subjected to further curation. The score for this variant resulted in a classification of benign for this disease.

Breakthrough Genomics
Classification: Benign. Review status: criteria provided, single submitter. Criteria: ACMG Guidelines, 2015. Collection method: not provided. Allele origin: germline. Inheritance: Autosomal recessive inheritance. Affected: yes.

PreventionGenetics, part of Exact Sciences
Classification: Benign for ABCC2-related condition. Last evaluated: 2023-10-10. Review status: no assertion criteria provided. Collection method: clinical testing. Allele origin: germline. Not counted in ClinVar's aggregate classification.
Comment: This variant is classified as benign based on ACMG/AMP sequence variant interpretation guidelines (Richards et al. 2015 PMID: 25741868, with internal and published modifications).

NM_000392.5(ABCC2):c.4488C>T (p.His1496=)

Gene: ABCC2 (ATP binding cassette subfamily C member 2; plus strand). Cytogenetic location: 10q24.2.
Variant type: single nucleotide variant.
Coding change: c.4488C>T on transcript NM_000392.5 (MANE Select); coding-DNA position 4488, C replaced by T.
Protein change: p.His1496=; no amino-acid change (histidine 1496 retained).
Molecular consequence: synonymous variant.
Genome position (GRCh38, 1-based): chr10:99,850,776, C>T. VCF-style: chr10-99850776-C-T. GRCh37 (hg19) VCF-style: chr10-101610533-C-T.
Other names: p.His1496=; c.4488C>T, p.His1496= (LRG_1208t1).
Identifiers: ClinVar variation 298479 (VCV000298479.16), dbSNP rs8187707, ClinGen allele CA5644148.
Genomic context (GRCh38, chr10:99,850,776, plus strand): 5'-GACGACCATCCAAAACGAGTTCGCCCACTGCACAGTGATCACCATCGCCCACAGGCTGCA[C>T]ACCATCATGGACAGTGACAAGTGAGTGTAGGGGGACAGGGCTTGACACGGATGGCTTAAC-3'
Protein context (NP_000383.2, residues 1486-1506): CTVITIAHRL[His1496=]TIMDSDKVMV